The following is an entry in ClinVar:

ClinVar aggregate classification (germline): Likely benign (0 of 4 stars; one submission).

Conditions:
ELMO2-related disorder. Also called: ELMO2-related condition.

Allele frequency attached by ClinVar (database versions not stated): gnomAD 0.00007; gnomAD exomes 0.00008; TOPMed 0.00009; ExAC 0.00015; ESP Exome Variant Server 0.00015.

Submission:

PreventionGenetics, part of Exact Sciences
Classification: Likely benign for ELMO2-related condition. Last evaluated: 2019-06-13. Review status: no assertion criteria provided. Collection method: clinical testing. Allele origin: germline.
Comment: This variant is classified as likely benign based on ACMG/AMP sequence variant interpretation guidelines (Richards et al. 2015 PMID: 25741868, with internal and published modifications).

NM_133171.5(ELMO2):c.975C>T (p.Asp325=)

Gene: ELMO2 (engulfment and cell motility 2; minus strand). Cytogenetic location: 20q13.12.
Variant type: single nucleotide variant.
Coding change: c.975C>T on transcript NM_133171.5 (MANE Select); coding-DNA position 975, C replaced by T.
Protein change: p.Asp325=; no amino-acid change (aspartic acid 325 retained).
Molecular consequence: synonymous variant.
Genome position (GRCh38, 1-based): chr20:46,375,326, G>A on the plus strand (C>T on the coding strand, the complement: ELMO2 is on the minus strand). VCF-style: chr20-46375326-G-A. GRCh37 (hg19) VCF-style: chr20-45003965-G-A.
Other names: c.711C>T, p.Asp237= (NM_001318253.2); c.975C>T, p.Asp325= (NM_182764.3).
Identifiers: ClinVar variation 3033193 (VCV003033193.2), dbSNP rs376165468, ClinGen allele CA9890175.
Genomic context (GRCh38, chr20:46,375,326, plus strand): 5'-GTACATGGCTTTGCGTTTTTCGGTCCCACTCCCAGGGGCATTGCTAGGATCAGACTCTGC[G>A]TCAAATGCAATCCTCCTCAGTTCAAATATGATGTCCCTTTGAGCCTGCGAGGTGAAACAG-3'
Protein context (NP_573403.1, residues 315-335): IIFELRRIAF[Asp325=]AESDPSNAPG